The following is an entry in ClinVar:

NM_205861.3(DHDDS):c.274G>A (p.Gly92Arg)

Gene: DHDDS (dehydrodolichyl diphosphate synthase subunit; plus strand). Cytogenetic location: 1p36.11.
Variant type: single nucleotide variant.
Coding change: c.274G>A on transcript NM_205861.3 (MANE Select); coding-DNA position 274, G replaced by A.
Protein change: p.Gly92Arg; replaces glycine 92 with arginine.
Molecular consequence: missense variant. On other transcripts: 5 prime UTR variant (1).
Genome position (GRCh38, 1-based): chr1:26,442,824, G>A. VCF-style: chr1-26442824-G-A. GRCh37 (hg19) VCF-style: chr1-26769315-G-A.
Other names: c.274G>A, p.Gly92Arg (NM_001243564.2, NM_001243565.2, NM_024887.4); c.-6G>A (NM_001319959.2); short protein forms G92R.
Identifiers: ClinVar variation 1022103 (VCV001022103.6), dbSNP rs766371067, ClinGen allele CA705283.

ClinVar aggregate classification (germline): Uncertain significance. Review status: criteria provided, multiple submitters, no conflicts (2 of 4 stars). 3 submissions from 3 submitters: Uncertain significance (2). 1 of the submissions does not count toward it. Last evaluated 2025-07-09.

Conditions:
Retinitis pigmentosa 59 (RP59). Identifiers: Orphanet 791, MedGen C3151227, MONDO:0013468, OMIM 613861.

Allele frequency attached by ClinVar (database versions not stated): gnomAD exomes 0.00001; ExAC 0.00002.
gnomAD v4.1: 12 of 1,614,098 alleles (0.00074%); highest among the groups gnomAD compares: Middle Eastern, 0.016%; no homozygotes.

Submissions (3):

3billion
Classification: Uncertain significance for Retinitis pigmentosa 59. Last evaluated: 2025-07-09. Review status: criteria provided, single submitter. Criteria: ACMG Guidelines, 2015. Collection method: clinical testing. Allele origin: germline. Affected: yes.
Comment: The variant is observed at an extremely low frequency in the gnomAD v4.1.0 dataset (total allele frequency: <0.001%). Predicted Consequence/Location: Missense variant In silico tool predictions suggest damaging effect of the variant on gene or gene product [REVEL: 0.68 (>=0.6, sensitivity 0.68 and specificity 0.92)]. The variant has been reported as of uncertain significance (ClinVar ID: VCV001022103; PMID: 33057194; 3billion dataset). Therefore, this variant is classified as VUS according to the recommendation of ACMG/AMP guideline.

Labcorp Genetics (formerly Invitae), Labcorp
Classification: Uncertain significance for Retinitis pigmentosa 59. Last evaluated: 2022-06-20. Review status: criteria provided, single submitter. Criteria: Invitae Variant Classification Sherloc (09022015). Collection method: clinical testing. Allele origin: germline.
Comment: This sequence change replaces glycine, which is neutral and non-polar, with arginine, which is basic and polar, at codon 92 of the DHDDS protein (p.Gly92Arg). This variant is present in population databases (rs766371067, gnomAD 0.003%). This variant has not been reported in the literature in individuals affected with DHDDS-related conditions. ClinVar contains an entry for this variant (Variation ID: 1022103). Algorithms developed to predict the effect of missense changes on protein structure and function (SIFT, PolyPhen-2, Align-GVGD) all suggest that this variant is likely to be disruptive. In summary, the available evidence is currently insufficient to determine the role of this variant in disease. Therefore, it has been classified as a Variant of Uncertain Significance.

Natera, Inc.
Classification: Uncertain significance for Retinitis pigmentosa type 59. Last evaluated: 2020-09-14. Review status: no assertion criteria provided. Collection method: clinical testing. Allele origin: germline. Not counted in ClinVar's aggregate classification.